The following is an entry in ClinVar:

NM_003105.6(SORL1):c.2416G>T (p.Asp806Tyr)

Genes: SORL1 (sortilin related receptor 1; plus strand), LOC114803469 (SORL1 eExon liver enhancer; plus strand). Cytogenetic location: 11q24.1.
Variant type: single nucleotide variant.
Coding change: c.2416G>T on transcript NM_003105.6 (MANE Select); coding-DNA position 2416, G replaced by T.
Protein change: p.Asp806Tyr; replaces aspartic acid 806 with tyrosine.
Molecular consequence: missense variant.
Genome position (GRCh38, 1-based): chr11:121,554,086, G>T. VCF-style: chr11-121554086-G-T. GRCh37 (hg19) VCF-style: chr11-121424795-G-T.
Other names: short protein forms D806Y.
Identifiers: ClinVar variation 4702312 (VCV004702312.1).

ClinVar aggregate classification (germline): Uncertain significance (1 of 4 stars; one submission).

Submission:

Labcorp Genetics (formerly Invitae), Labcorp
Classification: Uncertain significance. Last evaluated: 2025-07-08. Review status: criteria provided, single submitter. Criteria: Invitae Variant Classification Sherloc (09022015). Collection method: clinical testing. Allele origin: germline.
Comment: This sequence change replaces aspartic acid, which is acidic and polar, with tyrosine, which is neutral and polar, at codon 806 of the SORL1 protein (p.Asp806Tyr). This variant is not present in population databases (gnomAD no frequency). This missense change has been observed in individual(s) with clinical features of Alzheimer disease (internal data). An algorithm developed to predict the effect of missense changes on protein structure and function (PolyPhen-2) suggests that this variant is likely to be disruptive. This variant disrupts the p.Asp806 amino acid residue in SORL1. Other variant(s) that disrupt this residue have been observed in individuals with SORL1-related conditions (PMID: 26303663), which suggests that this may be a clinically significant amino acid residue. In summary, the available evidence is currently insufficient to determine the role of this variant in disease. Therefore, it has been classified as a Variant of Uncertain Significance.

Literature cited by the submitters: PubMed 26303663.